The following is an entry in ClinVar:

NM_000548.5(TSC2):c.5154C>G (p.His1718Gln)

Gene: TSC2 (TSC complex subunit 2; plus strand). Cytogenetic location: 16p13.3.
Variant type: single nucleotide variant.
Coding change: c.5154C>G on transcript NM_000548.5 (MANE Select); coding-DNA position 5154, C replaced by G.
Protein change: p.His1718Gln; replaces histidine 1718 with glutamine.
Molecular consequence: missense variant. On other transcripts: non-coding transcript variant (5).
Genome position (GRCh38, 1-based): chr16:2,088,133, C>G. VCF-style: chr16-2088133-C-G. GRCh37 (hg19) VCF-style: chr16-2138134-C-G.
Other names: c.4953C>G, p.His1651Gln (NM_001077183.3); c.5085C>G, p.His1695Gln (NM_001114382.3); c.4845C>G, p.His1615Gln (NM_001318827.2); c.4809C>G, p.His1603Gln (NM_001318829.2); c.4422C>G, p.His1474Gln (NM_001318831.2); c.4986C>G, p.His1662Gln (NM_001318832.2); c.4956C>G, p.His1652Gln (NM_001363528.2); c.5022C>G, p.His1674Gln (NM_001370404.1); and 26 more; short protein forms H1117Q, H1203Q, H1204Q, H1226Q, H1227Q, H1247Q, H1451Q, H1452Q.
Identifiers: ClinVar variation 4530958 (VCV004530958.1).

ClinVar aggregate classification (germline): Uncertain significance (1 of 4 stars; one submission).

Submission:

GeneDx
Classification: Uncertain significance. Last evaluated: 2025-05-20. Review status: criteria provided, single submitter. Criteria: GeneDx Variant Classification Process June 2021. Collection method: clinical testing. Allele origin: germline. Affected: yes.
Comment: In silico analysis supports that this missense variant has a deleterious effect on protein structure/function; Has not been previously published as pathogenic or benign to our knowledge; This variant is associated with the following publications: (PMID: 18466115)